The following is an entry in ClinVar:

NM_001844.5(COL2A1):c.762+42del

Gene: COL2A1 (collagen type II alpha 1 chain; minus strand). Cytogenetic location: 12q13.11.
Variant type: Deletion.
Coding change: c.762+42del on transcript NM_001844.5 (MANE Select); 42 bases into the intron after coding-DNA position 762, one base deleted (G; older notation c.762+42delG).
Molecular consequence: intron variant.
Genome position (GRCh38, 1-based): chr12:47,995,213, C deleted on the plus strand (G on the coding strand, the reverse complement: COL2A1 is on the minus strand). VCF-style (leftmost placement, unchanged base first): chr12-47995212-TC-T. GRCh37 (hg19) VCF-style: chr12-48388995-TC-T.
Other names: c.555+42del (NM_033150.3).
Identifiers: ClinVar variation 675025 (VCV000675025.1), dbSNP rs3216168, ClinGen allele CA6535799.

ClinVar aggregate classification (germline): Benign (1 of 4 stars; one submission).

Allele frequency attached by ClinVar (database versions not stated): gnomAD 0.20069 and 0.20384; ESP Exome Variant Server 0.20235; ExAC 0.20395; TOPMed 0.20547; gnomAD exomes 0.20593 and 0.21916; 1000 Genomes Project 30x 0.21502; 1000 Genomes Project 0.21865.

Submission:

GeneDx
Classification: Benign. Last evaluated: 2018-06-18. Review status: criteria provided, single submitter. Criteria: GeneDx Variant Classification (06012015). Collection method: clinical testing. Allele origin: germline. Affected: yes.
Comment: This variant is considered likely benign or benign based on one or more of the following criteria: it is a conservative change, it occurs at a poorly conserved position in the protein, it is predicted to be benign by multiple in silico algorithms, and/or has population frequency not consistent with disease.